The following is an entry in ClinVar:

NM_001080467.3(MYO5B):c.4000C>G (p.Gln1334Glu)

Gene: MYO5B (myosin VB; minus strand). Cytogenetic location: 18q21.1.
Variant type: single nucleotide variant.
Coding change: c.4000C>G on transcript NM_001080467.3 (MANE Select); coding-DNA position 4000, C replaced by G.
Protein change: p.Gln1334Glu; replaces glutamine 1334 with glutamic acid.
Molecular consequence: missense variant.
Genome position (GRCh38, 1-based): chr18:49,856,835, G>C on the plus strand (C>G on the coding strand, the complement: MYO5B is on the minus strand). VCF-style: chr18-49856835-G-C. GRCh37 (hg19) VCF-style: chr18-47383205-G-C.
Other names: short protein forms Q1334E.
Identifiers: ClinVar variation 1998722 (VCV001998722.4), dbSNP rs1419507190, ClinGen allele CA402427010.

ClinVar aggregate classification (germline): Uncertain significance (1 of 4 stars; one submission).

gnomAD v4.1: 8 of 1,614,036 alleles (0.0005%); highest among the groups gnomAD compares: East Asian, 0.0022%; no homozygotes.

Submission:

Labcorp Genetics (formerly Invitae), Labcorp
Classification: Uncertain significance. Last evaluated: 2025-07-09. Review status: criteria provided, single submitter. Criteria: Invitae Variant Classification Sherloc (09022015). Collection method: clinical testing. Allele origin: germline.
Comment: This sequence change replaces glutamine, which is neutral and polar, with glutamic acid, which is acidic and polar, at codon 1334 of the MYO5B protein (p.Gln1334Glu). This variant is not present in population databases (gnomAD no frequency). This variant has not been reported in the literature in individuals affected with MYO5B-related conditions. ClinVar contains an entry for this variant (Variation ID: 1998722). Invitae Evidence Modeling of protein sequence and biophysical properties (such as structural, functional, and spatial information, amino acid conservation, physicochemical variation, residue mobility, and thermodynamic stability) indicates that this missense variant is not expected to disrupt MYO5B protein function with a negative predictive value of 80%. In summary, the available evidence is currently insufficient to determine the role of this variant in disease. Therefore, it has been classified as a Variant of Uncertain Significance.